The following is an entry in ClinVar:

ClinVar aggregate classification (germline): Uncertain significance. Review status: criteria provided, multiple submitters, no conflicts (2 of 4 stars). 2 submissions from 2 submitters: Uncertain significance (2). Last evaluated 2025-11-23.

Allele frequency attached by ClinVar (database versions not stated): gnomAD exomes 0.00002 and 0.00001; TOPMed 0.00002; gnomAD 0.00001; ExAC 0.00002.
gnomAD v4.1: 9 of 1,613,826 alleles (0.00056%); highest among the groups gnomAD compares: Admixed American, 0.015%; no homozygotes.

Submissions (2):

Labcorp Genetics (formerly Invitae), Labcorp
Classification: Uncertain significance. Last evaluated: 2025-11-23. Review status: criteria provided, single submitter. Criteria: Invitae Variant Classification Sherloc (09022015). Collection method: clinical testing. Allele origin: germline.
Comment: This sequence change replaces tyrosine, which is neutral and polar, with histidine, which is basic and polar, at codon 517 of the CLCN6 protein (p.Tyr517His). This variant is present in population databases (rs772004824, gnomAD 0.01%). This variant has not been reported in the literature in individuals affected with CLCN6-related conditions. ClinVar contains an entry for this variant (Variation ID: 1443917). An algorithm developed to predict the effect of missense changes on protein structure and function (PolyPhen-2) suggests that this variant is likely to be disruptive. In summary, the available evidence is currently insufficient to determine the role of this variant in disease. Therefore, it has been classified as a Variant of Uncertain Significance.

Ambry Genetics
Classification: Uncertain significance. Last evaluated: 2025-03-05. Review status: criteria provided, single submitter. Criteria: Ambry Variant Classification Scheme 2023. Collection method: clinical testing. Allele origin: germline.

NM_001286.5(CLCN6):c.1549T>C (p.Tyr517His)

Gene: CLCN6 (chloride voltage-gated channel 6; plus strand). Cytogenetic location: 1p36.22.
Variant type: single nucleotide variant.
Coding change: c.1549T>C on transcript NM_001286.5 (MANE Select); coding-DNA position 1549, T replaced by C.
Protein change: p.Tyr517His; replaces tyrosine 517 with histidine.
Molecular consequence: missense variant. On other transcripts: non-coding transcript variant (1).
Genome position (GRCh38, 1-based): chr1:11,834,258, T>C. VCF-style: chr1-11834258-T-C. GRCh37 (hg19) VCF-style: chr1-11894315-T-C.
Other names: c.1483T>C, p.Tyr495His (NM_001256959.2); c.1549T>C (NM_001286.2); short protein forms Y495H, Y517H.
Identifiers: ClinVar variation 1443917 (VCV001443917.12), dbSNP rs772004824, ClinGen allele CA596542.